The following is an entry in ClinVar:

ClinVar aggregate classification (germline): Uncertain significance (1 of 4 stars; one submission).

Conditions:
RASopathy. Also called: rasopathies; Noonan spectrum disorder. Identifiers: Orphanet 536391, MedGen C5555857, MONDO:0021060.

gnomAD v4.1: 1 of 1,587,990 alleles (0.000063%); highest among the groups gnomAD compares: Non-Finnish European, 0.000086%; no homozygotes.

Submission:

Labcorp Genetics (formerly Invitae), Labcorp
Classification: Uncertain significance for RASopathy. Last evaluated: 2022-04-01. Review status: criteria provided, single submitter. Criteria: Invitae Variant Classification Sherloc (09022015). Collection method: clinical testing. Allele origin: germline.
Comment: This sequence change replaces histidine, which is basic and polar, with leucine, which is neutral and non-polar, at codon 442 of the SHOC2 protein (p.His442Leu). In summary, the available evidence is currently insufficient to determine the role of this variant in disease. Therefore, it has been classified as a Variant of Uncertain Significance. Algorithms developed to predict the effect of missense changes on protein structure and function are either unavailable or do not agree on the potential impact of this missense change (SIFT: "Deleterious"; PolyPhen-2: "Benign"; Align-GVGD: "Class C0"). This variant has not been reported in the literature in individuals affected with SHOC2-related conditions. This variant is not present in population databases (gnomAD no frequency).

NM_007373.4(SHOC2):c.1325A>T (p.His442Leu)

Gene: SHOC2 (SHOC2 leucine rich repeat scaffold protein; plus strand). Cytogenetic location: 10q25.2.
Variant type: single nucleotide variant.
Coding change: c.1325A>T on transcript NM_007373.4 (MANE Select); coding-DNA position 1325, A replaced by T.
Protein change: p.His442Leu; replaces histidine 442 with leucine.
Molecular consequence: missense variant. On other transcripts: non-coding transcript variant (1).
Genome position (GRCh38, 1-based): chr10:111,009,288, A>T. VCF-style: chr10-111009288-A-T. GRCh37 (hg19) VCF-style: chr10-112769046-A-T.
Other names: c.1187A>T, p.His396Leu (NM_001269039.3); c.1325A>T, p.His442Leu (NM_001324336.2, NM_001324337.2); short protein forms H396L, H442L.
Identifiers: ClinVar variation 2120166 (VCV002120166.4), dbSNP rs139875485, ClinGen allele CA378523986.